The following is an entry in ClinVar:

ClinVar aggregate classification (germline): Uncertain significance (0 of 4 stars; one submission).

Conditions:
SAMHD1-related disorder. Also called: SAMHD1-related condition.

gnomAD v4.1: 1 of 1,608,796 alleles (0.000062%); highest among the groups gnomAD compares: Non-Finnish European, 0.000085%; no homozygotes.

Submission:

PreventionGenetics, part of Exact Sciences
Classification: Uncertain significance for SAMHD1-related condition. Last evaluated: 2024-04-05. Review status: no assertion criteria provided. Collection method: clinical testing. Allele origin: germline.
Comment: The SAMHD1 c.619G>C variant is predicted to result in the amino acid substitution p.Asp207His. To our knowledge, this variant has not been reported in the literature or in a large population database, indicating this variant is rare. At this time, the clinical significance of this variant is uncertain due to the absence of conclusive functional and genetic evidence.

NM_015474.4(SAMHD1):c.619G>C (p.Asp207His)

Gene: SAMHD1 (SAM and HD domain containing deoxynucleoside triphosphate triphosphohydrolase 1; minus strand). Cytogenetic location: 20q11.23.
Variant type: single nucleotide variant.
Coding change: c.619G>C on transcript NM_015474.4 (MANE Select); coding-DNA position 619, G replaced by C.
Protein change: p.Asp207His; replaces aspartic acid 207 with histidine.
Molecular consequence: missense variant.
Genome position (GRCh38, 1-based): chr20:36,930,766, C>G on the plus strand (G>C on the coding strand, the complement: SAMHD1 is on the minus strand). VCF-style: chr20-36930766-C-G. GRCh37 (hg19) VCF-style: chr20-35559169-C-G.
Other names: c.619G>C, p.Asp207His (NM_001363729.2, NM_001363733.2); short protein forms D207H.
Identifiers: ClinVar variation 3356733 (VCV003356733.1).